The following is an entry in ClinVar:

NM_000481.4(AMT):c.101G>A (p.Arg34His)

Gene: AMT (aminomethyltransferase; minus strand). Cytogenetic location: 3p21.31.
Variant type: single nucleotide variant.
Coding change: c.101G>A on transcript NM_000481.4 (MANE Select); coding-DNA position 101, G replaced by A.
Protein change: p.Arg34His; replaces arginine 34 with histidine.
Molecular consequence: missense variant. On other transcripts: intron variant (1).
Genome position (GRCh38, 1-based): chr3:49,422,261, C>T on the plus strand (G>A on the coding strand, the complement: AMT is on the minus strand). VCF-style: chr3-49422261-C-T. GRCh37 (hg19) VCF-style: chr3-49459694-C-T.
Other names: c.101G>A, p.Arg34His (NM_001164710.2, NM_001164712.2); c.90+100G>A (NM_001164711.2); short protein forms R34H.
Identifiers: ClinVar variation 531783 (VCV000531783.23), dbSNP rs138259479, ClinGen allele CA2398472.

ClinVar aggregate classification (germline): Conflicting classifications of pathogenicity. Review status: criteria provided, conflicting classifications (1 of 4 stars). 7 submissions from 7 submitters: Uncertain significance (3); Benign (1); Likely benign (1). 2 of the submissions do not count toward it. Last evaluated 2026-01-28.

Conditions:
AMT-related disorder. Also called: AMT-related condition.
Glycine encephalopathy. Also called: Non-ketotic hyperglycinemia; Nonketotic hyperglycinemia. Identifiers: Orphanet 407, MedGen C0751748, MONDO:0011612, HP:0008288.

Allele frequency attached by ClinVar (database versions not stated): ESP Exome Variant Server 0.00015; gnomAD 0.00032; 1000 Genomes Project 30x 0.00062; gnomAD exomes 0.00062 and 0.00080; ExAC 0.00069; TOPMed 0.00077; 1000 Genomes Project 0.00080.
gnomAD v4.1: 1,004 of 1,614,046 alleles (0.062%); highest among the groups gnomAD compares: Middle Eastern, 0.31%; 4 homozygotes.

Submissions (7):

Labcorp Genetics (formerly Invitae), Labcorp
Classification: Benign for Glycine encephalopathy. Last evaluated: 2026-01-28. Review status: criteria provided, single submitter. Criteria: Invitae Variant Classification Sherloc (09022015). Collection method: clinical testing. Allele origin: germline.

Blueprint Genetics
Classification: Uncertain significance. Last evaluated: 2024-11-07. Review status: criteria provided, single submitter. Criteria: ACMG Guidelines, 2015. Collection method: clinical testing. Allele origin: germline.

Women's Health and Genetics/Laboratory Corporation of America, LabCorp
Classification: Likely benign. Last evaluated: 2023-11-10. Review status: criteria provided, single submitter. Criteria: LabCorp Variant Classification Summary - May 2015. Collection method: clinical testing. Allele origin: germline.
Comment: Variant summary: AMT c.101G>A (p.Arg34His) results in a non-conservative amino acid change in the encoded protein sequence. Three of five in-silico tools predict a benign effect of the variant on protein function. The variant allele was found at a frequency of 0.00063 in 1461706 control chromosomes, predominantly at a frequency of 0.0026 within the Middle Eastern subpopulation in the gnomAD database, and it is present in three homozygotes across all subpopulations. The observed variant frequency is 1.86-fold of the estimated maximal expected allele frequency for a pathogenic variant in AMT causing Glycine Encephalopathy (Non-Ketotic Hyperglycinemia) (0.0026 vs. 0.0014), strongly suggesting that the variant is a benign polymorphism found primarily in populations of Middle Eastern origin. To our knowledge, no occurrence of c.101G>A in individuals affected with Glycine Encephalopathy (Non-Ketotic Hyperglycinemia) and no experimental evidence demonstrating its impact on protein function have been reported. Three submitters have cited clinical-significance assessments for this variant to ClinVar after 2014. One classified the variant as uncertain significance, and two classified the variant as benign/likely benign. Based on the evidence outlined above, the variant was classified as likely benign.

Department of Pathology and Laboratory Medicine, Sinai Health System
Classification: Uncertain significance for glycine encephalopathy. Last evaluated: 2020-08-26. Review status: criteria provided, single submitter. Criteria: ACMG Guidelines, 2015. Collection method: research. Allele origin: germline.

Illumina Laboratory Services, Illumina
Classification: Uncertain significance for Glycine encephalopathy 1. Last evaluated: 2017-04-27. Review status: criteria provided, single submitter. Criteria: ICSL Variant Classification Criteria 13 December 2019. Collection method: clinical testing. Allele origin: germline.

PreventionGenetics, part of Exact Sciences
Classification: Benign for AMT-related condition. Last evaluated: 2024-05-08. Review status: no assertion criteria provided. Collection method: clinical testing. Allele origin: germline. Not counted in ClinVar's aggregate classification.
Comment: This variant is classified as benign based on ACMG/AMP sequence variant interpretation guidelines (Richards et al. 2015 PMID: 25741868, with internal and published modifications).

Natera, Inc.
Classification: Likely benign for Non-ketotic hyperglycinemia. Last evaluated: 2019-12-16. Review status: no assertion criteria provided. Collection method: clinical testing. Allele origin: germline. Not counted in ClinVar's aggregate classification.